The following is an entry in ClinVar:

NM_138694.4(PKHD1):c.5137G>T (p.Glu1713Ter)

Genes: PKHD1 (PKHD1 ciliary IPT domain containing fibrocystin/polyductin; minus strand), LOC126859690 (MED14-independent group 3 enhancer GRCh37_chr6:51888848-51890047; plus strand). Cytogenetic location: 6p12.2.
Variant type: single nucleotide variant.
Coding change: c.5137G>T on transcript NM_138694.4 (MANE Select); coding-DNA position 5137, G replaced by T.
Protein change: p.Glu1713Ter; replaces glutamic acid 1713 with a stop codon.
Molecular consequence: nonsense.
Genome position (GRCh38, 1-based): chr6:52,024,673, C>A on the plus strand (G>T on the coding strand, the complement: PKHD1 is on the minus strand). VCF-style: chr6-52024673-C-A. GRCh37 (hg19) VCF-style: chr6-51889471-C-A.
Other names: c.5137G>T, p.Glu1713Ter (NM_170724.3); short protein forms E1713*.
Identifiers: ClinVar variation 3644475 (VCV003644475.2).

ClinVar aggregate classification (germline): Pathogenic (1 of 4 stars; one submission).

Conditions:
Autosomal recessive polycystic kidney disease (ARPKD). Also called: AR polycystic kidney disease. Identifiers: Orphanet 731, Orphanet 8378, MedGen C0085548, MeSH D017044, MONDO:0009889.

Submission:

Labcorp Genetics (formerly Invitae), Labcorp
Classification: Pathogenic for Autosomal recessive polycystic kidney disease. Last evaluated: 2024-03-04. Review status: criteria provided, single submitter. Criteria: Invitae Variant Classification Sherloc (09022015). Collection method: clinical testing. Allele origin: germline.
Comment: This sequence change creates a premature translational stop signal (p.Glu1713*) in the PKHD1 gene. It is expected to result in an absent or disrupted protein product. Loss-of-function variants in PKHD1 are known to be pathogenic (PMID: 19940839). This variant is not present in population databases (gnomAD no frequency). This premature translational stop signal has been observed in individual(s) with polycystic kidney disease (PMID: 34096032). Algorithms developed to predict the effect of sequence changes on RNA splicing suggest that this variant may disrupt the consensus splice site. For these reasons, this variant has been classified as Pathogenic.

Literature cited by the submitters: PubMed 19940839; PubMed 34096032.